The following is an entry in ClinVar:

NM_000392.5(ABCC2):c.584_590del (p.Pro194_Ser195insTer)

Gene: ABCC2 (ATP binding cassette subfamily C member 2; plus strand). Cytogenetic location: 10q24.2.
Variant type: Deletion.
Coding change: c.584_590del on transcript NM_000392.5 (MANE Select); coding-DNA positions 584 to 590, 7 bases deleted (CATCCAT; older notation c.584_590delCATCCAT).
Protein change: p.Pro194_Ser195insTer.
Molecular consequence: nonsense.
Genome position (GRCh38, 1-based): chr10:99,794,420-99,794,426, CATCCAT deleted; deleting any 7 consecutive bases within chr10:99,794,414-99,794,426 gives the same sequence; the c. name uses the placement nearest the transcript's 3' end. VCF-style (leftmost placement, unchanged base first): chr10-99794413-AATCCATC-A. GRCh37 (hg19) VCF-style: chr10-101554170-AATCCATC-A.
Identifiers: ClinVar variation 1526158 (VCV001526158.5), dbSNP rs2132976682, ClinGen allele CA2573145929.
Genomic context (GRCh38, chr10:99,794,413, plus strand): 5'-GAGTCCCATGAAGTTCCTGTCTCCAATTGGTTTACATTTCGATTTTTTTGTGTCTTTCAG[AATCCATC>A]ATCCATAGCTTCATTCCTGAGTAGCATTACCTACAGCTGGTATGACAGGTAGGAAAGCCT-3'

ClinVar aggregate classification (germline): Pathogenic. Review status: criteria provided, multiple submitters, no conflicts (2 of 4 stars). 2 submissions from 2 submitters: Pathogenic (2). Last evaluated 2025-04-24.

Conditions:
Dubin-Johnson syndrome (DJS). Also called: HYPERBILIRUBINEMIA, DUBIN-JOHNSON TYPE; Jaundice, Chronic Idiopathic; Hyperbilirubinemia type 2. Identifiers: Orphanet 234, MedGen C0022350, MONDO:0009380, OMIM 237500.

Submissions (2):

3billion
Classification: Pathogenic for Dubin-Johnson syndrome. Last evaluated: 2025-04-24. Review status: criteria provided, single submitter. Criteria: ACMG Guidelines, 2015. Collection method: clinical testing. Allele origin: germline. Affected: yes.
Comment: The variant is observed at an extremely low frequency in the gnomAD v4.1.0 dataset (total allele frequency: <0.001%). Predicted Consequence/Location: Stop-gained (nonsense): predicted to result in a loss or disruption of normal protein function through nonsense-mediated decay (NMD) or protein truncation. Multiple pathogenic variants are reported downstream of the variant. The variant has been reported at least twice as pathogenic without evidence for the classification (ClinVar ID: VCV001526158 / 3billion dataset). Therefore, this variant is classified as Pathogenic according to the recommendation of ACMG/AMP guideline.

Labcorp Genetics (formerly Invitae), Labcorp
Classification: Pathogenic. Last evaluated: 2023-07-26. Review status: criteria provided, single submitter. Criteria: Invitae Variant Classification Sherloc (09022015). Collection method: clinical testing. Allele origin: germline.
Comment: For these reasons, this variant has been classified as Pathogenic. ClinVar contains an entry for this variant (Variation ID: 1526158). This variant has not been reported in the literature in individuals affected with ABCC2-related conditions. This variant is not present in population databases (gnomAD no frequency). This sequence change creates a premature translational stop signal (p.Ser195*) in the ABCC2 gene. It is expected to result in an absent or disrupted protein product. Loss-of-function variants in ABCC2 are known to be pathogenic (PMID: 9185779, 16549534, 16952291).

Literature cited by the submitters: PubMed 9185779 (cited by Labcorp Genetics (formerly Invitae), Labcorp); PubMed 16549534 (cited by Labcorp Genetics (formerly Invitae), Labcorp); PubMed 16952291 (cited by Labcorp Genetics (formerly Invitae), Labcorp).